The following is an entry in ClinVar:

ClinVar aggregate classification (germline): Uncertain significance. Review status: criteria provided, multiple submitters, no conflicts (2 of 4 stars). 4 submissions from 4 submitters: Uncertain significance (4). Last evaluated 2026-01-23.

Conditions:
Cohen syndrome (COH1). Also called: PEPPER SYNDROME; Cutis verticis gyrata, retinitis pigmentosa, and sensorineural deafness. Identifiers: Orphanet 193, MedGen C0265223, MONDO:0008999, OMIM 216550.
VPS13B-related disorder. Also called: VPS13B-related condition.
Inborn genetic diseases. Identifiers: MedGen C0950123, MeSH D030342.

Allele frequency attached by ClinVar (database versions not stated): gnomAD 0.00003; ESP Exome Variant Server 0.00015.
gnomAD v4.1: 185 of 1,614,036 alleles (0.011%); highest among the groups gnomAD compares: Non-Finnish European, 0.015%; no homozygotes.

Submissions (4):

Women's Health and Genetics/Laboratory Corporation of America, LabCorp
Classification: Uncertain significance. Last evaluated: 2026-01-23. Review status: criteria provided, single submitter. Criteria: LabCorp Variant Classification Summary - May 2015. Collection method: clinical testing. Allele origin: germline.

PreventionGenetics, part of Exact Sciences
Classification: Uncertain significance for VPS13B-related condition. Last evaluated: 2025-08-30. Review status: criteria provided, single submitter. Criteria: ACMG Guidelines, 2015. Collection method: clinical testing. Allele origin: germline.
Comment: The VPS13B c.11266T>C variant is predicted to result in the amino acid substitution p.Ser3756Pro. To our knowledge, this variant has not been reported in the literature. This variant is reported in 0.010% of alleles in individuals of European (Non-Finnish) descent in gnomAD. At this time, the clinical significance of this variant is uncertain due to the absence of conclusive functional and genetic evidence.

Ambry Genetics
Classification: Uncertain significance for Inborn genetic diseases. Last evaluated: 2024-04-27. Review status: criteria provided, single submitter. Criteria: Ambry Variant Classification Scheme 2023. Collection method: clinical testing. Allele origin: germline.

Labcorp Genetics (formerly Invitae), Labcorp
Classification: Uncertain significance for Cohen syndrome. Last evaluated: 2022-08-10. Review status: criteria provided, single submitter. Criteria: Invitae Variant Classification Sherloc (09022015). Collection method: clinical testing. Allele origin: germline.
Comment: This sequence change replaces serine, which is neutral and polar, with proline, which is neutral and non-polar, at codon 3781 of the VPS13B protein (p.Ser3781Pro). The frequency data for this variant in the population databases is considered unreliable, as metrics indicate poor data quality at this position in the gnomAD database. This variant has not been reported in the literature in individuals affected with VPS13B-related conditions. Algorithms developed to predict the effect of missense changes on protein structure and function are either unavailable or do not agree on the potential impact of this missense change (SIFT: "Not Available"; PolyPhen-2: "Possibly Damaging"; Align-GVGD: "Not Available"). In summary, the available evidence is currently insufficient to determine the role of this variant in disease. Therefore, it has been classified as a Variant of Uncertain Significance.

NM_152564.5(VPS13B):c.11266T>C (p.Ser3756Pro)

Gene: VPS13B (vacuolar protein sorting 13 homolog B; plus strand). Cytogenetic location: 8q22.2.
Variant type: single nucleotide variant.
Coding change: c.11266T>C on transcript NM_152564.5 (MANE Select); coding-DNA position 11266, T replaced by C.
Protein change: p.Ser3756Pro; replaces serine 3756 with proline.
Molecular consequence: missense variant.
Genome position (GRCh38, 1-based): chr8:99,868,339, T>C. VCF-style: chr8-99868339-T-C. GRCh37 (hg19) VCF-style: chr8-100880567-T-C.
Other names: c.11341T>C, p.Ser3781Pro (NM_017890.5); short protein forms S3781P, S3756P.
Identifiers: ClinVar variation 1729173 (VCV001729173.7), dbSNP rs138012121, ClinGen allele CA4825195.